The following is an entry in ClinVar:

NM_001386298.1(CIC):c.2954delinsTGTCCCCAGAACCT (p.Glu985fs)

Gene: CIC (capicua transcriptional repressor; plus strand). Cytogenetic location: 19q13.2.
Variant type: Indel.
Coding change: c.2954delinsTGTCCCCAGAACCT on transcript NM_001386298.1 (MANE Select); coding-DNA position 2954, A replaced by TGTCCCCAGAACCT.
Protein change: p.Glu985fs; shifts the reading frame from glutamic acid 985.
Molecular consequence: frameshift variant.
Genome position (GRCh38, 1-based): chr19:42,287,015, A replaced by TGTCCCCAGAACCT. VCF-style: chr19-42287015-A-TGTCCCCAGAACCT. GRCh37 (hg19) VCF-style: chr19-42791167-A-TGTCCCCAGAACCT.
Other names: c.2954delinsTGTCCCCAGAACCT, p.Glu985fs (NM_001304815.2, NM_001379480.1, NM_001379482.1); c.227delinsTGTCCCCAGAACCT, p.Glu76fs (NM_001379484.1, NM_001379485.1, NM_015125.5); short protein forms E76fs, E985fs.
Identifiers: ClinVar variation 817408 (VCV000817408.1), dbSNP rs1599890939, ClinGen allele CA915951698.
Genomic context (GRCh38, chr19:42,287,015, plus strand): 5'-TGTGGGGTCCAGGTGGCCTAGGAGCCCTCTGATCTACCTCTGTGTCCCCAGAACCTGCTG[A>TGTCCCCAGAACCT]GTCGGCAGCTGTTGCTCATGAACGGCCACCAGGTGGGACAGGGAGTGCTGACCCTGAGCG-3'

ClinVar aggregate classification (germline): Likely pathogenic (1 of 4 stars; one submission).

Submission:

GeneDx
Classification: Likely pathogenic. Last evaluated: 2019-01-09. Review status: criteria provided, single submitter. Criteria: GeneDx Variant Classification (06012015). Collection method: clinical testing. Allele origin: germline. Affected: yes.
Comment: The c.227delAins14 variant in the CIC gene has not been reported previously as a pathogenic variant nor as a benign variant, to our knowledge. The c.227delAins14 variant causes a frameshift starting with codon Glutamic Acid, changes this amino acid to a Valine residue, and creates a premature Stop codon at position 12 of the new reading frame, denoted p.Glu76ValfsX12. This variant is predicted to cause loss of normal protein function either through protein truncation or nonsense-mediated mRNA decay. The c.227delAins14 variant is not observed in large population cohorts (Lek et al., 2016). We interpret c.227delAins14 as a likely pathogenic variant.